The following is an entry in ClinVar:

ClinVar aggregate classification (germline): Uncertain significance. Review status: criteria provided, multiple submitters, no conflicts (2 of 4 stars). 2 submissions from 2 submitters: Uncertain significance (2). Last evaluated 2023-09-20.

Conditions:
Familial sleep-related hypermotor epilepsy. Also called: Autosomal Dominant Sleep-Related Hypermotor (Hyperkinetic) Epilepsy. Identifiers: Orphanet 98784, MedGen C3696898, MONDO:0000030.
Autosomal dominant nocturnal frontal lobe epilepsy 3. Also called: CHRNB2-Related Nocturnal Frontal Lobe Epilepsy, Autosomal Dominant. Identifiers: Orphanet 98784, MedGen C1854335, MONDO:0011545, OMIM 605375.

Allele frequency attached by ClinVar (database versions not stated): gnomAD 0.00001; gnomAD exomes below 0.00001 and 0.00001; TOPMed 0.00001.
gnomAD v4.1: 19 of 1,614,124 alleles (0.0012%); highest among the groups gnomAD compares: Non-Finnish European, 0.0015%; no homozygotes.

Submissions (2):

Labcorp Genetics (formerly Invitae), Labcorp
Classification: Uncertain significance. Last evaluated: 2023-09-20. Review status: criteria provided, single submitter. Criteria: Invitae Variant Classification Sherloc (09022015). Collection method: clinical testing. Allele origin: germline.
Comment: This sequence change replaces leucine, which is neutral and non-polar, with isoleucine, which is neutral and non-polar, at codon 307 of the CHRNB2 protein (p.Leu307Ile). This variant is present in population databases (rs200720061, gnomAD 0.002%). This variant has not been reported in the literature in individuals affected with CHRNB2-related conditions. ClinVar contains an entry for this variant (Variation ID: 840970). Advanced modeling of protein sequence and biophysical properties (such as structural, functional, and spatial information, amino acid conservation, physicochemical variation, residue mobility, and thermodynamic stability) performed at Invitae indicates that this missense variant is not expected to disrupt CHRNB2 protein function. In summary, the available evidence is currently insufficient to determine the role of this variant in disease. Therefore, it has been classified as a Variant of Uncertain Significance.

CENTOGENE GmbH and LLC - Guiding Precision Medicine
Classification: Uncertain significance for Autosomal dominant nocturnal frontal lobe epilepsy 3. Last evaluated: 2019-10-04. Review status: criteria provided, single submitter. Criteria: ACMG Guidelines, 2015. Collection method: clinical testing. Allele origin: germline. Affected: yes.

NM_000748.3(CHRNB2):c.919C>A (p.Leu307Ile)

Gene: CHRNB2 (cholinergic receptor nicotinic beta 2 subunit; plus strand). Cytogenetic location: 1q21.3.
Variant type: single nucleotide variant.
Coding change: c.919C>A on transcript NM_000748.3 (MANE Select); coding-DNA position 919, C replaced by A.
Protein change: p.Leu307Ile; replaces leucine 307 with isoleucine.
Molecular consequence: missense variant.
Genome position (GRCh38, 1-based): chr1:154,571,742, C>A. VCF-style: chr1-154571742-C-A. GRCh37 (hg19) VCF-style: chr1-154544218-C-A.
Other names: short protein forms L307I.
Identifiers: ClinVar variation 840970 (VCV000840970.10), dbSNP rs200720061, ClinGen allele CA30834668.
Genomic context (GRCh38, chr1:154,571,742, plus strand): 5'-GTGCCTCCCACCTCCCTCGACGTGCCGCTCGTCGGCAAGTACCTCATGTTCACCATGGTG[C>A]TTGTCACCTTCTCCATCGTCACCAGCGTGTGCGTGCTCAACGTGCACCACCGCTCGCCCA-3'
Protein context (NP_000739.1, residues 297-317): VGKYLMFTMV[Leu307Ile]VTFSIVTSVC